The following is an entry in ClinVar:

NM_138459.5(NUS1):c.405C>G (p.Tyr135Ter)

Gene: NUS1 (NUS1 dehydrodolichyl diphosphate synthase subunit; plus strand). Cytogenetic location: 6q22.1.
Variant type: single nucleotide variant.
Coding change: c.405C>G on transcript NM_138459.5 (MANE Select); coding-DNA position 405, C replaced by G.
Protein change: p.Tyr135Ter; replaces tyrosine 135 with a stop codon.
Molecular consequence: nonsense.
Genome position (GRCh38, 1-based): chr6:117,676,075, C>G. VCF-style: chr6-117676075-C-G. GRCh37 (hg19) VCF-style: chr6-117997238-C-G.
Other names: short protein forms Y135*.
Identifiers: ClinVar variation 1878519 (VCV001878519.1), dbSNP rs1407880094, ClinGen allele CA365536555.

ClinVar aggregate classification (germline): Pathogenic (1 of 4 stars; one submission).

Conditions:
Intellectual developmental disorder, autosomal dominant 55, with seizures. Also called: MENTAL RETARDATION, AUTOSOMAL DOMINANT 55, WITH SEIZURES; Intellectual disability, autosomal dominant 55, with seizures. Identifiers: MedGen C4693371, MONDO:0030921, OMIM 617831.

Submission:

Neuberg Centre For Genomic Medicine, NCGM
Classification: Pathogenic for Intellectual developmental disorder, autosomal dominant 55, with seizures. Review status: criteria provided, single submitter. Criteria: ACMG Guidelines, 2015. Collection method: clinical testing. Allele origin: germline. Affected: yes.
Comment: The stop gained p.Y135* in NUS1 (NM_138459.5) has not been reported previously as a pathogenic variant nor as a benign variant, to our knowledge. The p.Y135* variant is novel (not in any individuals) in gnomAD Exomes and is novel (not in any individuals) in 1000 Genomes. This variant is predicted to cause loss of normal protein function through protein truncation. Loss of function variants have been reported to be disease causing. For these reasons, this variant has been classified as Likely Pathogenic